The following is an entry in ClinVar:

NM_001040108.2(MLH3):c.2939C>G (p.Thr980Ser)

Gene: MLH3 (mutL homolog 3; minus strand). Cytogenetic location: 14q24.3.
Variant type: single nucleotide variant.
Coding change: c.2939C>G on transcript NM_001040108.2 (MANE Select); coding-DNA position 2939, C replaced by G.
Protein change: p.Thr980Ser; replaces threonine 980 with serine.
Molecular consequence: missense variant.
Genome position (GRCh38, 1-based): chr14:75,046,717, G>C on the plus strand (C>G on the coding strand, the complement: MLH3 is on the minus strand). VCF-style: chr14-75046717-G-C. GRCh37 (hg19) VCF-style: chr14-75513420-G-C.
Other names: c.2939C>G, p.Thr980Ser (NM_014381.3); short protein forms T980S.
Identifiers: ClinVar variation 2625637 (VCV002625637.2), dbSNP rs2139552094, ClinGen allele CA390437353.

ClinVar aggregate classification (germline): Uncertain significance (1 of 4 stars; one submission).

Submission:

Ambry Genetics
Classification: Uncertain significance. Last evaluated: 2023-06-24. Review status: criteria provided, single submitter. Criteria: Ambry Variant Classification Scheme 2023. Collection method: clinical testing. Allele origin: germline.
Comment: The p.T980S variant (also known as c.2939C>G), located in coding exon 1 of the MLH3 gene, results from a C to G substitution at nucleotide position 2939. The threonine at codon 980 is replaced by serine, an amino acid with similar properties. This amino acid position is conserved. In addition, this alteration is predicted to be tolerated by in silico analysis. Since supporting evidence is limited at this time, the clinical significance of this alteration remains unclear.